The following is an entry in ClinVar:

NM_000132.4(F8):c.902G>T (p.Arg301Leu)

Gene: F8 (coagulation factor VIII; minus strand). Cytogenetic location: Xq28.
Variant type: single nucleotide variant.
Coding change: c.902G>T on transcript NM_000132.4 (MANE Select); coding-DNA position 902, G replaced by T.
Protein change: p.Arg301Leu; replaces arginine 301 with leucine.
Molecular consequence: missense variant.
Genome position (GRCh38, 1-based): chrX:154,969,438, C>A on the plus strand (G>T on the coding strand, the complement: F8 is on the minus strand). VCF-style: chrX-154969438-C-A. GRCh37 (hg19) VCF-style: chrX-154197713-C-A.
Other names: F8, ARG282LEU; R282L; short protein forms R301L.
Identifiers: ClinVar variation 10193 (VCV000010193.2), dbSNP rs137852403, ClinGen allele CA255080.
Genomic context (GRCh38, chrX:154,969,438, plus strand): 5'-TCCATCAAGAGTGTTTGAGCAGTAAGGAAAGTTATTGGCGAGATTTCCAAGGACGCCTGG[C>A]GATGGTTCCTCACAAGAAATGTGTGACCTTCGAGGAATATTGAGTGCACTTCAGGAGTGG-3'
Protein context (NP_000123.1, residues 291-311): EGHTFLVRNH[Arg301Leu]QASLEISPIT

ClinVar aggregate classification (germline): Pathogenic. Review status: criteria provided, single submitter (1 of 4 stars). 2 submissions from 2 submitters: Pathogenic (1). 1 of the submissions does not count toward it. Last evaluated 2025-07-16.

Conditions:
Hereditary factor VIII deficiency disease (HEMA). Also called: HEMOPHILIA, CLASSIC; Hemophilia A; Hemophilia A, congenital; HEM A; Factor 8 deficiency, congenital; AUTOSOMAL HEMOPHILIA A. Identifiers: Orphanet 98878, MedGen C0019069, MONDO:0010602, OMIM 306700.

Allele frequency attached by ClinVar (database versions not stated): TOPMed 0.00002.

Submissions (2):

Myriad Genetics, Inc.
Classification: Pathogenic for Hereditary factor VIII deficiency disease. Last evaluated: 2025-07-16. Review status: criteria provided, single submitter. Criteria: Myriad Autosomal Dominant, Autosomal Recessive and X-Linked Classification Criteria (2023). Collection method: clinical testing. Allele origin: unknown.
Comment: NM_000132.3(F8):c.902G>T(R301L) is a missense variant classified as pathogenic in the context of hemophilia A. R301L has been observed in cases with relevant disease (PMID: 8644728, 16086318, 8547094, 29296726, 23711237, 34788507). Relevant functional assessments of this variant are not available in the literature. R301L has not been observed in referenced population frequency databases. In summary, NM_000132.3(F8):c.902G>T(R301L) is a missense variant that has been observed more frequently in cases with the relevant disease than in healthy populations. Please note: this variant was assessed in the context of healthy population screening.

OMIM
Classification: Pathogenic for HEMOPHILIA A. Last evaluated: 1995-01-01. Review status: no assertion criteria provided. Collection method: literature only. Allele origin: germline. Not counted in ClinVar's aggregate classification.

Literature cited by the submitters: PubMed 16086318 (cited by Myriad Genetics, Inc.); PubMed 23711237 (cited by Myriad Genetics, Inc.); PubMed 29296726 (cited by Myriad Genetics, Inc.); PubMed 34788507 (cited by Myriad Genetics, Inc.); PubMed 8547094 (cited by Myriad Genetics, Inc.); PubMed 8644728 (cited by Myriad Genetics, Inc.); PubMed 7728145 (cited by OMIM).